The following is an entry in ClinVar:

ClinVar aggregate classification (germline): Likely benign (0 of 4 stars; one submission).

Conditions:
LGI4-related disorder. Also called: LGI4-related condition.

Submission:

PreventionGenetics, part of Exact Sciences
Classification: Likely benign for LGI4-related condition. Last evaluated: 2020-07-14. Review status: no assertion criteria provided. Collection method: clinical testing. Allele origin: germline.
Comment: This variant is classified as likely benign based on ACMG/AMP sequence variant interpretation guidelines (Richards et al. 2015 PMID: 25741868, with internal and published modifications).

NM_139284.3(LGI4):c.19CTG[4] (p.Leu11del)

Gene: LGI4 (leucine rich repeat LGI family member 4; minus strand). Cytogenetic location: 19q13.12.
Variant type: Microsatellite.
Coding change: c.19CTG[4] on transcript NM_139284.3 (MANE Select); four copies in a row of the 3-base unit CTG starting at c.19; the reference has five copies in a row; one copy, 3 bases deleted.
Protein change: p.Leu11del; deletes leucine 11.
Genome position (GRCh38, 1-based): chr19:35,134,648-35,134,650, CAG deleted on the plus strand (CTG on the coding strand, the reverse complement: LGI4 is on the minus strand); deleting any 3 consecutive bases within chr19:35,134,648-35,134,662 gives the same sequence; the position shown is the placement nearest the transcript's 3' end. VCF-style (leftmost placement, unchanged base first): chr19-35134647-CCAG-C. GRCh37 (hg19) VCF-style: chr19-35625551-CCAG-C.
Other names: short protein forms L11del.
Identifiers: ClinVar variation 3056940 (VCV003056940.2), dbSNP rs752862334, ClinGen allele CA9373484.
Genomic context (GRCh38, chr19:35,134,647, plus strand): 5'-AGCAGCGCAGGGGACACTTTCCCTTTGGGGGTCTCCAGGCCACCACCACCCCCGCCCCAG[CCAG>C]CAGCAGCAGCAGAATGCCTGCCCCTCCCATGCCCCCACCCCCACTCTGAGGCACCCGCTT-3'